The following is an entry in ClinVar:

ClinVar aggregate classification (germline): Likely benign. Review status: criteria provided, multiple submitters, no conflicts (2 of 4 stars). 2 submissions from 2 submitters: Likely benign (2). Last evaluated 2023-03-23.

Conditions:
Hereditary cancer-predisposing syndrome. Also called: Hereditary Cancer Syndrome; Hereditary neoplastic syndrome; Neoplastic Syndromes, Hereditary; Tumor predisposition. Identifiers: Orphanet 140162, MedGen C0027672, MeSH D009386, MONDO:0015356.

Submissions (2):

University of Washington Department of Laboratory Medicine, University of Washington
Classification: Likely benign for Hereditary cancer-predisposing syndrome. Last evaluated: 2023-03-23. Review status: criteria provided, single submitter. Criteria: Dines et al. (Genet Med. 2020). Collection method: curation. Allele origin: germline.
Comment: Missense variant in a coldspot region where missense variants are very unlikely to be pathogenic (PMID:31911673).

BRCA2 exon 11 coldspot. Reclassification based on statistical prior probability.

Ambry Genetics
Classification: Likely benign for Hereditary cancer-predisposing syndrome. Last evaluated: 2022-04-21. Review status: criteria provided, single submitter. Criteria: Ambry Variant Classification Scheme 2023. Collection method: clinical testing. Allele origin: germline.

NM_000059.4(BRCA2):c.5782G>C (p.Glu1928Gln)

Gene: BRCA2 (BRCA2 DNA repair associated; plus strand). Cytogenetic location: 13q13.1.
Variant type: single nucleotide variant.
Coding change: c.5782G>C on transcript NM_000059.4 (MANE Select); coding-DNA position 5782, G replaced by C.
Protein change: p.Glu1928Gln; replaces glutamic acid 1928 with glutamine.
Molecular consequence: missense variant.
Genome position (GRCh38, 1-based): chr13:32,340,137, G>C. VCF-style: chr13-32340137-G-C. GRCh37 (hg19) VCF-style: chr13-32914274-G-C.
Other names: c.5782G>C, p.Glu1928Gln (NM_001406719.1, NM_001406720.1); short protein forms E1928Q.
Identifiers: ClinVar variation 1749615 (VCV001749615.4), dbSNP rs56253082, ClinGen allele CA387787144.
Genomic context (GRCh38, chr13:32,340,137, plus strand): 5'-CTAGATAATGATGAATGTAGCACGCATTCACATAAGGTTTTTGCTGACATTCAGAGTGAA[G>C]AAATTTTACAACATAACCAAAATATGTCTGGATTGGAGAAAGTTTCTAAAATATCACCTT-3'
Protein context (NP_000050.3, residues 1918-1938): HKVFADIQSE[Glu1928Gln]ILQHNQNMSG